The following is an entry in ClinVar:

NM_004551.3(NDUFS3):c.277G>A (p.Val93Ile)

Gene: NDUFS3 (NADH:ubiquinone oxidoreductase core subunit S3; plus strand). Cytogenetic location: 11p11.2.
Variant type: single nucleotide variant.
Coding change: c.277G>A on transcript NM_004551.3 (MANE Select); coding-DNA position 277, G replaced by A.
Protein change: p.Val93Ile; replaces valine 93 with isoleucine.
Molecular consequence: missense variant.
Genome position (GRCh38, 1-based): chr11:47,580,880, G>A. VCF-style: chr11-47580880-G-A. GRCh37 (hg19) VCF-style: chr11-47602432-G-A.
Other names: short protein forms V93I.
Identifiers: ClinVar variation 1483822 (VCV001483822.5), dbSNP rs760089998, ClinGen allele CA5977926.
Genomic context (GRCh38, chr11:47,580,880, plus strand): 5'-CTTTCATGTGTGCAGGTGTCCTGCTTCAATGAGTTAGAGGTCTGTATCCATCCTGATGGC[G>A]TCATCCCAGTGCTGACTTTCCTCAGGGATCACACCAATGCACAGTTCAAATCTCTGGTTG-3'
Protein context (NP_004542.1, residues 83-103): ELEVCIHPDG[Val93Ile]IPVLTFLRDH

ClinVar aggregate classification (germline): Uncertain significance (1 of 4 stars; one submission).

Allele frequency attached by ClinVar (database versions not stated): TOPMed below 0.00001; gnomAD 0.00001; gnomAD exomes 0.00003; ExAC 0.00006.

Submission:

Labcorp Genetics (formerly Invitae), Labcorp
Classification: Uncertain significance. Last evaluated: 2021-09-17. Review status: criteria provided, single submitter. Criteria: Invitae Variant Classification Sherloc (09022015). Collection method: clinical testing. Allele origin: germline.
Comment: This sequence change replaces valine with isoleucine at codon 93 of the NDUFS3 protein (p.Val93Ile). The valine residue is highly conserved and there is a small physicochemical difference between valine and isoleucine. This variant is present in population databases (rs760089998, ExAC 0.01%). This variant has not been reported in the literature in individuals affected with NDUFS3-related conditions. Algorithms developed to predict the effect of missense changes on protein structure and function output the following: SIFT: "Tolerated"; PolyPhen-2: "Benign"; Align-GVGD: "Class C0". The isoleucine amino acid residue is found in multiple mammalian species, which suggests that this missense change does not adversely affect protein function. In summary, the available evidence is currently insufficient to determine the role of this variant in disease. Therefore, it has been classified as a Variant of Uncertain Significance.